The following is an entry in ClinVar:

NM_024310.5(PLEKHF1):c.738C>G (p.Asp246Glu)

Gene: PLEKHF1 (pleckstrin homology and FYVE domain containing 1; plus strand). Cytogenetic location: 19q12.
Variant type: single nucleotide variant.
Coding change: c.738C>G on transcript NM_024310.5 (MANE Select); coding-DNA position 738, C replaced by G.
Protein change: p.Asp246Glu; replaces aspartic acid 246 with glutamic acid.
Molecular consequence: missense variant.
Genome position (GRCh38, 1-based): chr19:29,674,577, C>G. VCF-style: chr19-29674577-C-G. GRCh37 (hg19) VCF-style: chr19-30165484-C-G.
Other names: short protein forms D246E.
Identifiers: ClinVar variation 2350211 (VCV002350211.3), dbSNP rs147091446, ClinGen allele CA9351552.
Genomic context (GRCh38, chr19:29,674,577, plus strand): 5'-GTCCCCAGGGCAGCCAGCCCACCTGGCCCGGCCCATCTGCGGAGCGTCCAGTGGAGATGA[C>G]GATGACTCCGACGAGGACAAGGAGGGCAGCAGGGACGGCGACTGGCCCAGCAGCGTGGAG-3'
Protein context (NP_077286.3, residues 236-256): RPICGASSGD[Asp246Glu]DDSDEDKEGS

ClinVar aggregate classification (germline): Uncertain significance (1 of 4 stars; one submission).

Allele frequency attached by ClinVar (database versions not stated): ESP Exome Variant Server 0.00008; gnomAD 0.00005.
gnomAD v4.1: 79 of 1,602,228 alleles (0.0049%); highest among the groups gnomAD compares: Non-Finnish European, 0.0058%; no homozygotes.

Submission:

Ambry Genetics
Classification: Uncertain significance. Last evaluated: 2025-11-07. Review status: criteria provided, single submitter. Criteria: Ambry Variant Classification Scheme 2023. Collection method: clinical testing. Allele origin: germline.
Comment: The c.738C>G (p.D246E) alteration is located in exon 2 (coding exon 1) of the PLEKHF1 gene. This alteration results from a C to G substitution at nucleotide position 738, causing the aspartic acid (D) at amino acid position 246 to be replaced by a glutamic acid (E). Based on data from gnomAD, the G allele has an overall frequency of 0.006% (14/253698) total alleles studied. The highest observed frequency was 0.015% (1/6674) of Other alleles. Based on insufficient or conflicting evidence, the clinical significance of this alteration remains unclear.